The following is an entry in ClinVar:

ClinVar aggregate classification (germline): Uncertain significance (1 of 4 stars; one submission).

Conditions:
KBG syndrome (KBGS). Also called: ANKRD11-Related KBG Syndrome. Identifiers: Orphanet 2332, MedGen C0220687, MONDO:0007846, OMIM 148050.

Submission:

3billion
Classification: Uncertain significance for KBG syndrome. Last evaluated: 2024-11-19. Review status: criteria provided, single submitter. Criteria: ACMG Guidelines, 2015. Collection method: clinical testing. Allele origin: germline. Affected: yes.
Comment: The variant is not observed in the gnomAD v4.1.0 dataset. Predicted Consequence/Location: Intron variant In silico tools predict the variant to alter splicing and produce an abnormal transcript [SpliceAI: 0.95 (>=0.2, moderate evidence for spliceogenicity)]. Therefore, this variant is classified as VUS according to the recommendation of ACMG/AMP guideline.

NM_013275.6(ANKRD11):c.-144-35325C>G

Genes: ANKRD11 (ankyrin repeat domain 11; minus strand), LOC101927817 (uncharacterized LOC101927817; plus strand). Cytogenetic location: 16q24.3.
Variant type: single nucleotide variant.
Coding change: c.-144-35325C>G on transcript NM_013275.6 (MANE Select); 35325 bases into the intron before 144 bases upstream of the start codon, C replaced by G.
Molecular consequence: intron variant. On other transcripts: non-coding transcript variant (2).
Genome position (GRCh38, 1-based): chr16:89,453,693, G>C on the plus strand (C>G on the coding strand, the complement: ANKRD11 is on the minus strand). VCF-style: chr16-89453693-G-C. GRCh37 (hg19) VCF-style: chr16-89520101-G-C.
Other names: c.-141-35325C>G (NM_001256183.2); c.-215-22367C>G (NM_001256182.2).
Identifiers: ClinVar variation 4293061 (VCV004293061.1).